The following is an entry in ClinVar:

NM_000152.5(GAA):c.2411G>A (p.Trp804Ter)

Gene: GAA (alpha glucosidase; plus strand). Cytogenetic location: 17q25.3.
Variant type: single nucleotide variant.
Coding change: c.2411G>A on transcript NM_000152.5 (MANE Select); coding-DNA position 2411, G replaced by A.
Protein change: p.Trp804Ter; replaces tryptophan 804 with a stop codon.
Molecular consequence: nonsense.
Genome position (GRCh38, 1-based): chr17:80,117,679, G>A. VCF-style: chr17-80117679-G-A. GRCh37 (hg19) VCF-style: chr17-78091478-G-A.
Other names: NM_001079804.3:c.2411G>A; c.2411G>A, p.Trp804Ter (NM_001079803.3, NM_001079804.3); short protein forms W804*.
Identifiers: ClinVar variation 1693552 (VCV001693552.5), dbSNP rs2143925134, ClinGen allele CA401325125.

ClinVar aggregate classification (germline): Pathogenic. Review status: reviewed by expert panel (3 of 4 stars). 4 submissions from 4 submitters: Pathogenic (1). 3 of the submissions do not count toward it. Last evaluated 2024-03-06.

Conditions:
Glycogen storage disease, type II (IOPD). Also called: CARDIOMEGALIA GLYCOGENICA DIFFUSA; GLYCOGENOSIS, GENERALIZED, CARDIAC FORM; GSD II; POMPE DISEASE, INFANTILE-ONSET; GLYCOGEN STORAGE DISEASE II, INFANTILE-ONSET; ACID ALPHA-GLUCOSIDASE DEFICIENCY, INFANTILE-ONSET. Identifiers: Orphanet 365, MedGen C0017921, MONDO:0009290, OMIM 232300.

Submissions (4):

ClinGen Lysosomal Storage Disorder Variant Curation Expert Panel
Classification: Pathogenic for Glycogen storage disease, type II. Last evaluated: 2024-03-06. Review status: reviewed by expert panel. Criteria: clingen_lsd_acmg_specifications_v2-1. Collection method: curation. Allele origin: germline. Inheritance: Autosomal recessive inheritance.
Comment: The NM_000152.5:c.2411G>A (p.Trp804Ter) variant in GAA is a nonsense variant predicted to cause a premature stop codon in biologically-relevant-exon 17 )out of 20, leading to nonsense mediated decay in a gene in which loss-of-function is an established disease mechanism (PVS1). One patient reported to have infantile-onset Pompe disease is compound heterozygous for the variant and a variant that has been classified as pathogenic by the ClinGen Lysosomal Diseases VCEP, c.1802C>T (p.Ser601Leu) (ClinVar Variation ID: 194154, SCV002032130.1); the phase is unconfirmed (PMID: 28394184) (PM3_Supporting). There is insufficient data to apply PP4. The variant is absent in gnomAD v2.1.1. (PM2_Supporting). In summary, this variant meets the criteria to be classified as pathogenic for Pompe disease. Initially, the variant was classified a likely pathogenic by the ClinGen Lysosomal Diseases VCEP on August 17, 2021, but it was reclassified as pathogenic on Jan 15, 2024, due to the application of PM3_Supporting. GAA-specific ACMG/AMP criteria met, as specified by the ClinGen Lysosomal Diseases Variant Curation Expert Panel (Specifications Version 2.0): PVS1, PM2_Supporting, PM3_Supporting. (Classification approved by the ClinGen Lysosomal Diseases Variant Curation Panel on Feb 6, 2024).

Genomenon, Inc
Classification: Pathogenic for Glycogen storage disease, type II. Last evaluated: 2026-07-01. Review status: criteria provided, single submitter. Criteria: Genomenon Sequence Variant Interpretation Standards - Updated. Collection method: curation. Allele origin: germline. Affected: yes. Not counted in ClinVar's aggregate classification.
Comment: GAA p.Trp804Ter (c.2411G>A) is a nonsense variant that introduces a premature stop codon at amino acid position 804 and is predicted to result in a truncated or absent protein product. This variant has been observed in at least one proband with a GAA-related disorder (PMID:28394184). It is absent or not present at a significant frequency in gnomAD. In conclusion, we classify GAA p.Trp804Ter (c.2411G>A) as a pathogenic variant.

Labcorp Genetics (formerly Invitae), Labcorp
Classification: Pathogenic for Glycogen storage disease, type II. Last evaluated: 2025-12-03. Review status: criteria provided, single submitter. Criteria: Invitae Variant Classification Sherloc (09022015). Collection method: clinical testing. Allele origin: germline. Not counted in ClinVar's aggregate classification.
Comment: This sequence change creates a premature translational stop signal (p.Trp804*) in the GAA gene. It is expected to result in an absent or disrupted protein product. Loss-of-function variants in GAA are known to be pathogenic (PMID: 18425781, 22252923). This variant is not present in population databases (gnomAD no frequency). This premature translational stop signal has been observed in individual(s) with infant-onset Pompe disease (PMID: 28394184). ClinVar contains an entry for this variant (Variation ID: 1693552). For these reasons, this variant has been classified as Pathogenic.

Women's Health and Genetics/Laboratory Corporation of America, LabCorp
Classification: Pathogenic for Glycogen storage disease, type II. Last evaluated: 2024-09-09. Review status: criteria provided, single submitter. Criteria: LabCorp Variant Classification Summary - May 2015. Collection method: clinical testing. Allele origin: germline. Not counted in ClinVar's aggregate classification.
Comment: Variant summary: GAA c.2411G>A (p.Trp804X) results in a premature termination codon, predicted to cause a truncation of the encoded protein or absence of the protein due to nonsense mediated decay, which are commonly known mechanisms for disease. The variant was absent in 248482 control chromosomes. c.2411G>A has been reported in the literature in individuals affected with Glycogen Storage Disease, Type 2 (Pompe Disease) (Chen_2017). To our knowledge, no experimental evidence demonstrating an impact on protein function has been reported. The following publication have been ascertained in the context of this evaluation (PMID: 28394184). ClinVar contains an entry for this variant (Variation ID: 1693552). Based on the evidence outlined above, the variant was classified as pathogenic.

Literature cited by the submitters: PubMed 28394184 (cited by 3 submitters); PubMed 18425781 (cited by Labcorp Genetics (formerly Invitae), Labcorp); PubMed 22252923 (cited by Labcorp Genetics (formerly Invitae), Labcorp).